The following is an entry in ClinVar:

NM_001172509.2(SATB2):c.1174-1G>A

Gene: SATB2 (SATB homeobox 2; minus strand). Cytogenetic location: 2q33.1.
Variant type: single nucleotide variant.
Coding change: c.1174-1G>A on transcript NM_001172509.2 (MANE Select); the canonical splice acceptor site of the intron before coding-DNA position 1174, G replaced by A.
Molecular consequence: splice acceptor variant.
Genome position (GRCh38, 1-based): chr2:199,328,911, C>T on the plus strand (G>A on the coding strand, the complement: SATB2 is on the minus strand). VCF-style: chr2-199328911-C-T. GRCh37 (hg19) VCF-style: chr2-200193634-C-T.
Other names: c.1174-1G>A (NM_001172517.1, NM_015265.4).
Identifiers: ClinVar variation 986051 (VCV000986051.5), dbSNP rs1688108762, ClinGen allele CA350386597.

ClinVar aggregate classification (germline): Pathogenic (1 of 4 stars; one submission).

Conditions:
Inborn genetic diseases. Identifiers: MedGen C0950123, MeSH D030342.

Submission:

Ambry Genetics
Classification: Pathogenic for Inborn genetic diseases. Last evaluated: 2020-01-23. Review status: criteria provided, single submitter. Criteria: Ambry Variant Classification Scheme 2023. Collection method: clinical testing. Allele origin: germline.
Comment: The alteration is predicted to abolish the native acceptor splice site: _x000D_ _x000D_ The c.1174-1G>A intronic alteration results from a G to A substitution one nucleotide before coding exon 7 of the SATB2 gene. Based on BDGP and ESEfinder splice site in silico tools, this alteration is predicted to abolish the native splice acceptor site; however, direct evidence is unavailable. Alterations that disrupt the canonical splice site are expected to cause aberrant splicing, resulting in an abnormal protein or a transcript that is subject to nonsense-mediated mRNA decay (Maquat, 2004). The alteration is not observed in population databases: _x000D_ _x000D_ Based on data from the Genome Aggregation Database (gnomAD), the SATB2 c.1174-1G>A alteration was not observed, with coverage at this position. The altered nucleotide is conserved throughout evolution:_x000D_ _x000D_ The c.1174-1G nucleotide is conserved in available vertebrate species. The alteration is predicted deleterious by in silico modeling:_x000D_ _x000D_ The alteration is predicted to be deleterious by in silico analysis. Based on the available evidence, this alteration is classified as pathogenic.